The following is an entry in ClinVar:

NM_032217.5(ANKRD17):c.7489C>G (p.His2497Asp)

Gene: ANKRD17 (ankyrin repeat domain 17; minus strand). Cytogenetic location: 4q13.3.
Variant type: single nucleotide variant.
Coding change: c.7489C>G on transcript NM_032217.5 (MANE Select); coding-DNA position 7489, C replaced by G.
Protein change: p.His2497Asp; replaces histidine 2497 with aspartic acid.
Molecular consequence: missense variant.
Genome position (GRCh38, 1-based): chr4:73,077,453, G>C on the plus strand (C>G on the coding strand, the complement: ANKRD17 is on the minus strand). VCF-style: chr4-73077453-G-C. GRCh37 (hg19) VCF-style: chr4-73943170-G-C.
Other names: c.7150C>G, p.His2384Asp (NM_001286771.3); c.7486C>G, p.His2496Asp (NM_015574.2); c.6736C>G, p.His2246Asp (NM_198889.3); short protein forms H2246D, H2384D, H2496D, H2497D.
Identifiers: ClinVar variation 4880976 (VCV004880976.2).

ClinVar aggregate classification (germline): Uncertain significance (1 of 4 stars; one submission).

Conditions:
Chopra-Amiel-Gordon syndrome (CAGS). Also called: ANKRD17-Related Neurodevelopmental Syndrome. Identifiers: MedGen C5561975, MONDO:0859186, OMIM 619504.

Submission:

Dasa
Classification: Uncertain significance for Chopra-Amiel-Gordon syndrome. Last evaluated: 2025-07-09. Review status: criteria provided, single submitter. Criteria: DASA Assertion Criteria. Collection method: clinical testing. Allele origin: germline.
Comment: NM_032217.5(ANKRD17):c.7489C>G (p.His2497Asp) is a missense variant that results in the substitution of histidine with aspartic acid. This variant is absent from population databases. The currently available literature and clinical evidence are not sufficient to establish a definitive association between this variant and the reported condition. Therefore, this variant is classified as a variant of uncertain significance.